The following is an entry in ClinVar:

NM_006648.4(WNK2):c.5332G>C (p.Ala1778Pro)

Gene: WNK2 (WNK lysine deficient protein kinase 2; plus strand). Cytogenetic location: 9q22.31.
Variant type: single nucleotide variant.
Coding change: c.5332G>C on transcript NM_006648.4 (MANE Select); coding-DNA position 5332, G replaced by C.
Protein change: p.Ala1778Pro; replaces alanine 1778 with proline.
Molecular consequence: missense variant.
Genome position (GRCh38, 1-based): chr9:93,292,797, G>C. VCF-style: chr9-93292797-G-C. GRCh37 (hg19) VCF-style: chr9-96055079-G-C.
Other names: c.5443G>C, p.Ala1815Pro (NM_001282394.3); short protein forms A1778P, A1815P.
Identifiers: ClinVar variation 3470661 (VCV003470661.1).
Genomic context (GRCh38, chr9:93,292,797, plus strand): 5'-ACCCTGGCCTCCCCCCACAGCCTGAGATACTCTGCCCCACCCGACGTCTACCTGGACGAG[G>C]CCCCCTCCAGCCCCGACGTGAAGCTGGCAGTGCGGCGGGCGCAGACGGCCTCCTCCATCG-3'
Protein context (NP_006639.3, residues 1768-1788): SAPPDVYLDE[Ala1778Pro]PSSPDVKLAV

ClinVar aggregate classification (germline): Uncertain significance (1 of 4 stars; one submission).

Submission:

Ambry Genetics
Classification: Uncertain significance. Last evaluated: 2024-12-08. Review status: criteria provided, single submitter. Criteria: Ambry Variant Classification Scheme 2023. Collection method: clinical testing. Allele origin: germline.
Comment: The p.A1778P variant (also known as c.5332G>C), located in coding exon 22 of the WNK2 gene, results from a G to C substitution at nucleotide position 5332. The alanine at codon 1778 is replaced by proline, an amino acid with highly similar properties. This amino acid position is conserved. In addition, this alteration is predicted to be tolerated by in silico analysis. Based on the available evidence, the clinical significance of this variant remains unclear.